The following is an entry in ClinVar:

NM_004333.6(BRAF):c.483G>C (p.Leu161=)

Gene: BRAF (B-Raf proto-oncogene, serine/threonine kinase; minus strand). Cytogenetic location: 7q34.
Variant type: single nucleotide variant.
Coding change: c.483G>C on transcript NM_004333.6 (MANE Select); coding-DNA position 483, G replaced by C.
Protein change: p.Leu161=; no amino-acid change (leucine 161 retained).
Molecular consequence: synonymous variant. On other transcripts: intron variant (1).
Genome position (GRCh38, 1-based): chr7:140,834,630, C>G on the plus strand (G>C on the coding strand, the complement: BRAF is on the minus strand). VCF-style: chr7-140834630-C-G. GRCh37 (hg19) VCF-style: chr7-140534430-C-G.
Other names: NM_004333.4(BRAF):c.483G>C; c.483G>C, p.Leu161= (NM_001354609.2, NM_001374244.1, NM_001374258.1 and 5 more transcripts); c.381G>C, p.Leu127= (NM_001378470.1); c.327G>C, p.Leu109= (NM_001378472.1, NM_001378473.1); c.240+15481G>C (NM_001378475.1).
Identifiers: ClinVar variation 44826 (VCV000044826.19), dbSNP rs61730029, ClinGen allele CA135128.

ClinVar aggregate classification (germline): Likely benign. Review status: reviewed by expert panel (3 of 4 stars). 8 submissions from 8 submitters: Likely benign (1). 7 of the submissions do not count toward it. Last evaluated 2017-04-18.

Conditions:
BRAF-related disorder. Also called: BRAF-related condition.
Cardiovascular phenotype. Identifiers: MedGen CN230736.
RASopathy. Also called: rasopathies; Noonan spectrum disorder. Identifiers: Orphanet 536391, MedGen C5555857, MONDO:0021060.

Allele frequency attached by ClinVar (database versions not stated): gnomAD exomes 0.00004; ExAC 0.00007; gnomAD 0.00015 and 0.00016; 1000 Genomes Project 30x 0.00016; 1000 Genomes Project 0.00020; TOPMed 0.00025; ESP Exome Variant Server 0.00046.
gnomAD v4.1: 48 of 1,614,116 alleles (0.003%); highest among the groups gnomAD compares: African/African-American, 0.055%; no homozygotes.

Submissions (8):

ClinGen RASopathy Variant Curation Expert Panel
Classification: Likely benign for Noonan syndrome and Noonan-related syndrome. Last evaluated: 2017-04-18. Review status: reviewed by expert panel. Criteria: ClinGen RASopathy ACMG Specifications v1. Collection method: curation. Allele origin: germline. Inheritance: Autosomal dominant inheritance.
Comment: The filtering allele frequency of the c.483G>C (p.Leu161=) variant in the BRAF gene is 0.0315% (7/10404) of African chromosomes by the Exome Aggregation Consortium, which is a high enough frequency to be classified as likely benign based on thresholds defined by the ClinGen RASopathy Expert Panel (BS1; PMID:29493581)

Labcorp Genetics (formerly Invitae), Labcorp
Classification: Likely benign for RASopathy. Last evaluated: 2025-12-24. Review status: criteria provided, single submitter. Criteria: Invitae Variant Classification Sherloc (09022015). Collection method: clinical testing. Allele origin: germline. Not counted in ClinVar's aggregate classification.

Blueprint Genetics
Classification: Likely benign. Last evaluated: 2022-07-17. Review status: criteria provided, single submitter. Criteria: ACMG Guidelines, 2015. Collection method: clinical testing. Allele origin: germline. Not counted in ClinVar's aggregate classification.

Ambry Genetics
Classification: Likely benign for Cardiovascular phenotype. Last evaluated: 2022-04-04. Review status: criteria provided, single submitter. Criteria: Ambry Variant Classification Scheme 2023. Collection method: clinical testing. Allele origin: germline. Not counted in ClinVar's aggregate classification.

GeneDx
Classification: Benign. Last evaluated: 2017-09-11. Review status: criteria provided, single submitter. Criteria: GeneDx Variant Classification (06012015). Collection method: clinical testing. Allele origin: germline. Affected: yes. Not counted in ClinVar's aggregate classification.
Comment: This variant is considered likely benign or benign based on one or more of the following criteria: it is a conservative change, it occurs at a poorly conserved position in the protein, it is predicted to be benign by multiple in silico algorithms, and/or has population frequency not consistent with disease.

Women's Health and Genetics/Laboratory Corporation of America, LabCorp
Classification: Benign. Last evaluated: 2017-04-24. Review status: criteria provided, single submitter. Criteria: LabCorp Variant Classification Summary - May 2015. Collection method: clinical testing. Allele origin: germline. Not counted in ClinVar's aggregate classification.
Comment: Variant summary: The BRAF c.483G>C (p.Leu161=) variant involves the alteration of a non-conserved nucleotide, resulting in a synonymous change. 5/5 splice prediction tools predict no significant impact on normal splicing. This variant was found in 8/121376 control chromosomes, predominantly observed in the African subpopulation at a frequency of 0.000673 (7/10404). This frequency is about 269 times the estimated maximal expected allele frequency of a pathogenic BRAF variant (0.0000025), suggesting this is likely a benign polymorphism found primarily in the populations of African origin. In addition, one clinical diagnostic laboratory classified this variant as likely benign. The variant of interest has neither been reported in affected individuals via publications and/or reputable databases/clinical diagnostic laboratories nor was it evaluated for functional impact by in vivo/vitro studies. Taken together, this variant is classified as benign.

Laboratory for Molecular Medicine, Mass General Brigham Personalized Medicine
Classification: Likely benign. Last evaluated: 2010-02-15. Review status: criteria provided, single submitter. Criteria: LMM Criteria. Collection method: clinical testing. Allele origin: germline. Observed: 1 variant allele. Not counted in ClinVar's aggregate classification.

PreventionGenetics, part of Exact Sciences
Classification: Likely benign for BRAF-related condition. Last evaluated: 2019-08-23. Review status: no assertion criteria provided. Collection method: clinical testing. Allele origin: germline. Not counted in ClinVar's aggregate classification.
Comment: This variant is classified as likely benign based on ACMG/AMP sequence variant interpretation guidelines (Richards et al. 2015 PMID: 25741868, with internal and published modifications).